The following is an entry in ClinVar:

ClinVar aggregate classification (germline): Benign/Likely benign. Review status: criteria provided, multiple submitters, no conflicts (2 of 4 stars). 4 submissions from 4 submitters: Benign (3); Likely benign (1). Last evaluated 2026-06-01.

Allele frequency attached by ClinVar (database versions not stated): 1000 Genomes Project 30x 0.00078; 1000 Genomes Project 0.00080; TOPMed 0.00165; ESP Exome Variant Server 0.00184; gnomAD 0.00220 and 0.00230; gnomAD exomes 0.00283 and 0.00302; ExAC 0.00342.
gnomAD v4.1: 4,434 of 1,612,054 alleles (0.28%); highest among the groups gnomAD compares: Non-Finnish European, 0.29%; 14 homozygotes.

Submissions (4):

CeGaT Center for Human Genetics Tuebingen
Classification: Likely benign. Last evaluated: 2026-06-01. Review status: criteria provided, single submitter. Criteria: CeGaT Center For Human Genetics Tuebingen Variant Classification Criteria Version 2. Collection method: clinical testing. Allele origin: germline. Affected: yes. Observed: 2 variant alleles.
Comment: OTOGL: BP4, BP7

Labcorp Genetics (formerly Invitae), Labcorp
Classification: Benign. Last evaluated: 2025-10-07. Review status: criteria provided, single submitter. Criteria: Invitae Variant Classification Sherloc (09022015). Collection method: clinical testing. Allele origin: germline.

GeneDx
Classification: Benign. Last evaluated: 2019-12-17. Review status: criteria provided, single submitter. Criteria: GeneDx Variant Classification Process June 2021. Collection method: clinical testing. Allele origin: germline. Affected: yes.

Laboratory for Molecular Medicine, Mass General Brigham Personalized Medicine
Classification: Benign. Last evaluated: 2014-11-24. Review status: criteria provided, single submitter. Criteria: LMM Criteria. Collection method: clinical testing. Allele origin: germline. Observed: 5 variant alleles.
Comment: Tyr1760Tyr in exon 44 of OTOGL: This variant is not expected to have clinical si gnificance because it does not alter an amino acid residue and is not located wi thin the splice consensus sequence. It has been identified in 0.3% (21/8212) of European American chromosomes from a broad population by the NHLBI Exome Sequenc ing Project (dbSNP rs183555119).

NM_001378609.3(OTOGL):c.5307T>C (p.Tyr1769=)

Gene: OTOGL (otogelin like; plus strand). Cytogenetic location: 12q21.31.
Variant type: single nucleotide variant.
Coding change: c.5307T>C on transcript NM_001378609.3 (MANE Select); coding-DNA position 5307, T replaced by C.
Protein change: p.Tyr1769=; no amino-acid change (tyrosine 1769 retained).
Molecular consequence: synonymous variant.
Genome position (GRCh38, 1-based): chr12:80,352,336, T>C. VCF-style: chr12-80352336-T-C. GRCh37 (hg19) VCF-style: chr12-80746116-T-C.
Other names: c.5172T>C, p.Tyr1724= (NM_001368062.3); c.5307T>C, p.Tyr1769= (NM_001378610.3, NM_173591.7).
Identifiers: ClinVar variation 226955 (VCV000226955.20), dbSNP rs183555119, ClinGen allele CA6701674.
Genomic context (GRCh38, chr12:80,352,336, plus strand): 5'-AGGCAAAATGTTTCTCTAGGTTTCACCGGAAGACTTTTGTGAAAAGATGTGGATCAATTA[T>C]ACCTATTTTTGGAACTATGAATGTGATGCACTTTCTGCATATGTGGCTCTGTGCAACAAG-3'
Protein context (NP_001365538.2, residues 1759-1779): EDFCEKMWIN[Tyr1769=]TYFWNYECDA